The following is an entry in ClinVar:

ClinVar aggregate classification (germline): Uncertain significance (1 of 4 stars; one submission).

Submission:

Dasa
Classification: Uncertain significance. Last evaluated: 2026-05-04. Review status: criteria provided, single submitter. Criteria: DASA Assertion Criteria. Collection method: clinical testing. Allele origin: germline.
Comment: NM_002227.4(JAK1):c.1603A>G (p.Asn535Asp) is a missense variant that results in the substitution of asparagine with aspartic acid. This variant is rare in population databases. Computational prediction algorithms are consistent with a benign effect. The currently available literature and clinical evidence are not sufficient to establish a definitive association between this variant and the reported condition. Therefore, this variant is classified as a variant of uncertain significance.

NM_002227.4(JAK1):c.1603A>G (p.Asn535Asp)

Gene: JAK1 (Janus kinase 1; minus strand). Cytogenetic location: 1p31.3.
Variant type: single nucleotide variant.
Coding change: c.1603A>G on transcript NM_002227.4 (MANE Select); coding-DNA position 1603, A replaced by G.
Protein change: p.Asn535Asp; replaces asparagine 535 with aspartic acid.
Molecular consequence: missense variant.
Genome position (GRCh38, 1-based): chr1:64,855,554, T>C on the plus strand (A>G on the coding strand, the complement: JAK1 is on the minus strand). VCF-style: chr1-64855554-T-C. GRCh37 (hg19) VCF-style: chr1-65321237-T-C.
Other names: c.1600A>G, p.Asn534Asp (NM_001321857.2); c.1603A>G, p.Asn535Asp (NM_001320923.2, NM_001321852.2, NM_001321853.2 and 3 more transcripts); short protein forms N534D, N535D.
Identifiers: ClinVar variation 5020625 (VCV005020625.1).
Genomic context (GRCh38, chr1:64,855,554, plus strand): 5'-CACAGGGAGACGAACCTCGGGGCTTGGGCTGGCAGCAGCGTTTTAGCATGAAGCTGATGT[T>C]ATCCGTGCGCAGGATCTGCTTCTTGAGGTGGCTCATGAGGTCTCCCAAGCTGGGGAAGCT-3'
Protein context (NP_002218.2, residues 525-545): HLKKQILRTD[Asn535Asp]ISFMLKRCCQ